The following is an entry in ClinVar:

ClinVar aggregate classification (germline): Uncertain significance (1 of 4 stars; one submission).

gnomAD v4.1: 8 of 1,614,090 alleles (0.0005%); highest among the groups gnomAD compares: Non-Finnish European, 0.00068%; no homozygotes.

Submission:

GeneDx
Classification: Uncertain significance. Last evaluated: 2023-08-09. Review status: criteria provided, single submitter. Criteria: GeneDx Variant Classification Process June 2021. Collection method: clinical testing. Allele origin: germline. Affected: yes.
Comment: Not observed at significant frequency in large population cohorts (gnomAD); In silico analysis supports that this missense variant has a deleterious effect on protein structure/function; Has not been previously published as pathogenic or benign to our knowledge

NM_001355436.2(SPTB):c.4996G>T (p.Gly1666Trp)

Gene: SPTB (spectrin beta, erythrocytic; minus strand). Cytogenetic location: 14q23.3.
Variant type: single nucleotide variant.
Coding change: c.4996G>T on transcript NM_001355436.2 (MANE Select); coding-DNA position 4996, G replaced by T.
Protein change: p.Gly1666Trp; replaces glycine 1666 with tryptophan.
Molecular consequence: missense variant.
Genome position (GRCh38, 1-based): chr14:64,773,402, C>A on the plus strand (G>T on the coding strand, the complement: SPTB is on the minus strand). VCF-style: chr14-64773402-C-A. GRCh37 (hg19) VCF-style: chr14-65240120-C-A.
Other names: NM_000347.5:c.4996G>T; c.4996G>T, p.Gly1666Trp (NM_001024858.4, NM_001355437.2); short protein forms G1666W.
Identifiers: ClinVar variation 3361854 (VCV003361854.1).